The following is an entry in ClinVar:

NM_002661.5(PLCG2):c.3780C>G (p.Asn1260Lys)

Gene: PLCG2 (phospholipase C gamma 2; plus strand). Cytogenetic location: 16q23.3.
Variant type: single nucleotide variant.
Coding change: c.3780C>G on transcript NM_002661.5 (MANE Select); coding-DNA position 3780, C replaced by G.
Protein change: p.Asn1260Lys; replaces asparagine 1260 with lysine.
Molecular consequence: missense variant.
Genome position (GRCh38, 1-based): chr16:81,957,980, C>G. VCF-style: chr16-81957980-C-G. GRCh37 (hg19) VCF-style: chr16-81991585-C-G.
Other names: short protein forms N1260K.
Identifiers: ClinVar variation 1438908 (VCV001438908.9), dbSNP rs758825034, ClinGen allele CA8194856.

ClinVar aggregate classification (germline): Uncertain significance. Review status: criteria provided, multiple submitters, no conflicts (2 of 4 stars). 2 submissions from 2 submitters: Uncertain significance (2). Last evaluated 2024-02-13.

Conditions:
Familial cold autoinflammatory syndrome 3 (FCAS3). Also called: FAMILIAL ATYPICAL COLD URTICARIA; ANTIBODY DEFICIENCY AND IMMUNE DYSREGULATION, PLCG2-ASSOCIATED. Identifiers: Orphanet 300359, MedGen C3280914, MONDO:0013766, OMIM 614468.
Autoinflammation-PLCG2-associated antibody deficiency-immune dysregulation. Also called: Autoinflammation, antibody deficiency, and immune dysregulation syndrome; AUTOINFLAMMATION, ANTIBODY DEFICIENCY, AND IMMUNE DYSREGULATION; Autoinflammation, antibody deficiency, and immune dysregulation, plcg2-associated. Identifiers: Orphanet 324530, MedGen C3553961, MONDO:0013944, OMIM 614878.

Allele frequency attached by ClinVar (database versions not stated): gnomAD exomes below 0.00001 and 0.00001; ExAC 0.00001; gnomAD 0.00003 and 0.00004.
gnomAD v4.1: 13 of 1,613,272 alleles (0.00081%); highest among the groups gnomAD compares: Admixed American, 0.0067%; no homozygotes.

Submissions (2):

Labcorp Genetics (formerly Invitae), Labcorp
Classification: Uncertain significance for Familial cold autoinflammatory syndrome 3. Last evaluated: 2024-02-13. Review status: criteria provided, single submitter. Criteria: Invitae Variant Classification Sherloc (09022015). Collection method: clinical testing. Allele origin: germline.
Comment: This sequence change replaces asparagine, which is neutral and polar, with lysine, which is basic and polar, at codon 1260 of the PLCG2 protein (p.Asn1260Lys). This variant is present in population databases (rs758825034, gnomAD 0.009%). This variant has not been reported in the literature in individuals affected with PLCG2-related conditions. ClinVar contains an entry for this variant (Variation ID: 1438908). An algorithm developed to predict the effect of missense changes on protein structure and function (PolyPhen-2) suggests that this variant is likely to be disruptive. In summary, the available evidence is currently insufficient to determine the role of this variant in disease. Therefore, it has been classified as a Variant of Uncertain Significance.

Fulgent Genetics
Classification: Uncertain significance for Familial cold autoinflammatory syndrome 3; Autoinflammation-PLCG2-associated antibody deficiency-immune dysregulation. Last evaluated: 2022-02-19. Review status: criteria provided, single submitter. Criteria: ACMG Guidelines, 2015. Collection method: clinical testing. Allele origin: unknown.